The following is an entry in ClinVar:

ClinVar aggregate classification (germline): Uncertain significance (1 of 4 stars; one submission).

Conditions:
Developmental and epileptic encephalopathy, 9 (DEE9). Also called: PCDH19-Related X-Linked Female-Limited Epilepsy with Mental Retardation; Early infantile epileptic encephalopathy 9; EPILEPSY, FEMALE-RESTRICTED, WITH MENTAL RETARDATION; JUBERG-HELLMAN SYNDROME. Identifiers: Orphanet 101039, Orphanet 2076, MedGen C1848137, MONDO:0010246, OMIM 300088. Disease mechanism: loss of function.

gnomAD v4.1: 1 of 1,212,227 alleles (0.000082%); no homozygotes.

Submission:

Labcorp Genetics (formerly Invitae), Labcorp
Classification: Uncertain significance for Developmental and epileptic encephalopathy, 9. Last evaluated: 2019-01-19. Review status: criteria provided, single submitter. Criteria: Invitae Variant Classification Sherloc (09022015). Collection method: clinical testing. Allele origin: germline.
Comment: This sequence change replaces threonine with serine at codon 242 of the PCDH19 protein (p.Thr242Ser). The threonine residue is highly conserved and there is a small physicochemical difference between threonine and serine. This variant is not present in population databases (ExAC no frequency). This variant has not been reported in the literature in individuals with PCDH19-related conditions. In summary, the available evidence is currently insufficient to determine the role of this variant in disease. Therefore, it has been classified as a Variant of Uncertain Significance. Algorithms developed to predict the effect of missense changes on protein structure and function (SIFT, PolyPhen-2, Align-GVGD) all suggest that this variant is likely to be tolerated, but these predictions have not been confirmed by published functional studies and their clinical significance is uncertain.

NM_001184880.2(PCDH19):c.724A>T (p.Thr242Ser)

Gene: PCDH19 (protocadherin 19; minus strand). Cytogenetic location: Xq22.1.
Variant type: single nucleotide variant.
Coding change: c.724A>T on transcript NM_001184880.2 (MANE Select); coding-DNA position 724, A replaced by T.
Protein change: p.Thr242Ser; replaces threonine 242 with serine.
Molecular consequence: missense variant.
Genome position (GRCh38, 1-based): chrX:100,407,874, T>A on the plus strand (A>T on the coding strand, the complement: PCDH19 is on the minus strand). VCF-style: chrX-100407874-T-A. GRCh37 (hg19) VCF-style: chrX-99662872-T-A.
Other names: c.724A>T, p.Thr242Ser (NM_001105243.2, NM_020766.3); short protein forms T242S.
Identifiers: ClinVar variation 661643 (VCV000661643.11), dbSNP rs1602637358, ClinGen allele CA414008443.
Genomic context (GRCh38, chrX:100,407,874, plus strand): 5'-CGTTGAGGCGGATGACGGGTGTGTTGGGAGGCGAGTTTTCTGGCACGCTCACCGCGTAGG[T>A]GGACTCGCTAAACACCGGGTTGTTGTCATTGGAGTCGGTCACCTTGATACTAAGGCCAAC-3'
Protein context (NP_001171809.1, residues 232-252): NDNNPVFSES[Thr242Ser]YAVSVPENSP